The following is an entry in ClinVar:

NM_002875.5(RAD51):c.7A>G (p.Met3Val)

Gene: RAD51 (RAD51 recombinase; plus strand). Cytogenetic location: 15q15.1.
Variant type: single nucleotide variant.
Coding change: c.7A>G on transcript NM_002875.5 (MANE Select); coding-DNA position 7, A replaced by G.
Protein change: p.Met3Val; replaces methionine 3 with valine.
Molecular consequence: missense variant.
Genome position (GRCh38, 1-based): chr15:40,698,765, A>G. VCF-style: chr15-40698765-A-G. GRCh37 (hg19) VCF-style: chr15-40990963-A-G.
Other names: c.7A>G, p.Met3Val (NM_001164269.2, NM_001164270.2, NM_133487.4); short protein forms M3V.
Identifiers: ClinVar variation 2892632 (VCV002892632.3), dbSNP rs751792276, ClinGen allele CA7483899.

ClinVar aggregate classification (germline): Uncertain significance (1 of 4 stars; one submission).

Allele frequency attached by ClinVar (database versions not stated): gnomAD exomes 0.00001; gnomAD 0.00001; TOPMed 0.00003; ExAC 0.00003.
gnomAD v4.1: 13 of 1,613,898 alleles (0.00081%); highest among the groups gnomAD compares: East Asian, 0.0022%; no homozygotes.

Submission:

Labcorp Genetics (formerly Invitae), Labcorp
Classification: Uncertain significance. Last evaluated: 2025-12-11. Review status: criteria provided, single submitter. Criteria: Invitae Variant Classification Sherloc (09022015). Collection method: clinical testing. Allele origin: germline.
Comment: This sequence change replaces methionine, which is neutral and non-polar, with valine, which is neutral and non-polar, at codon 3 of the RAD51 protein (p.Met3Val). This variant is present in population databases (rs751792276, gnomAD 0.03%). This variant has not been reported in the literature in individuals affected with RAD51-related conditions. ClinVar contains an entry for this variant (Variation ID: 2892632). An algorithm developed to predict the effect of missense changes on protein structure and function outputs the following: PolyPhen-2: "Benign". The valine amino acid residue is found in multiple mammalian species, which suggests that this missense change does not adversely affect protein function. In summary, the available evidence is currently insufficient to determine the role of this variant in disease. Therefore, it has been classified as a Variant of Uncertain Significance.